The following is an entry in ClinVar:

ClinVar aggregate classification (germline): Uncertain significance (1 of 4 stars; one submission).

Conditions:
Intellectual disability and myopathy syndrome (IDMYS). Identifiers: MedGen C5676904, MONDO:0859224, OMIM 619719.

Submission:

Victorian Clinical Genetics Services, Murdoch Childrens Research Institute
Classification: Uncertain significance for Intellectual disability and myopathy syndrome. Last evaluated: 2023-12-21. Review status: criteria provided, single submitter. Criteria: ACMG Guidelines, 2015. Collection method: clinical testing. Allele origin: germline. Inheritance: Autosomal recessive inheritance. Affected: yes.
Comment: Based on the classification scheme VCGS_Germline_v1.3.4, this variant is classified as VUS-3A. Following criteria are met: 0103 - Loss of function and gain of function are known mechanisms of disease in this gene. Loss of function variants have been reported to cause dilated cardiomyopathy 10 (MIM#608569), and intellectual disability and myopathy (MIM#619791). Gain of function variants have been reported to cause hypertrichotic osteochondrodysplasia (Cantu syndrome) (MIM#239850). (PMID:22610116, PMID:31575858). (I) 0108 - This gene is associated with both recessive and dominant disease. Cardiomyopathy, dilated, 1O (MIM#608569) and hypertrichotic osteochondrodysplasia (Cantu syndrome) (MIM#239850) have an autosomal dominant inheritance pattern, whereas intellectual disability and myopathy syndrome (MIM#619719) is autosomal recessive. (I) 0201 - Variant is predicted to cause nonsense-mediated decay (NMD) and loss of protein (premature termination codon is located at least 54 nucleotides upstream of the final exon-exon junction). (SP) 0251 - This variant is heterozygous. (I) 0301 - Variant is absent from gnomAD (both v2 and v3). (SP) 0708 - Other NMD-predicted variants comparable to the one identified in this case have conflicting previous evidence for pathogenicity. NMD-predicted variants have been identified in individuals both affected and unaffected with DCM and classified as VUS, likely pathogenic, and pathogenic. Many NMD-predicted variants have also been identified in the healthy population (ClinVar, PMID:27532257, PMID:28991257, PMID:36129056). (I) 0807 - This variant has no previous evidence of pathogenicity. (I) 0905 - No published segregation evidence has been identified for this variant. (I) 1007 - No published functional evidence has been identified for this variant. (I) 1208 - Inheritance information for this variant is not currently available in this individual. (I) Legend: (SP) - Supporting pathogenic, (I) - Information, (SB) - Supporting benign

Literature cited by the submitters: PubMed 22610116; PubMed 27532257; PubMed 28991257; PubMed 31575858; PubMed 36129056.

NM_020297.3(ABCC9):c.4212_4213insGAGA

Genes: ABCC9 (ATP binding cassette subfamily C member 9; minus strand), KCNJ8-AS1 (KCNJ8 antisense RNA 1; plus strand). Cytogenetic location: 12p12.1.
Variant type: Microsatellite.
Coding change: c.4212_4213insGAGA on transcript NM_020297.3; coding-DNA positions 4212 to 4213, GAGA inserted.
Genome position: GRCh38 VCF-style: chr12-21809954-A-ATCTC. GRCh37 (hg19) VCF-style: chr12-21962888-A-ATCTC.
Identifiers: ClinVar variation 3376820 (VCV003376820.1).